The following is an entry in ClinVar:

ClinVar aggregate classification (germline): Uncertain significance. Review status: criteria provided, multiple submitters, no conflicts (2 of 4 stars). 2 submissions from 2 submitters: Uncertain significance (2). Last evaluated 2023-12-06.

Conditions:
Familial adenomatous polyposis 1 (FAP1). Also called: POLYPOSIS, ADENOMATOUS INTESTINAL; FAMILIAL ADENOMATOUS POLYPOSIS 1, ATTENUATED. Identifiers: MedGen C2713442, MONDO:0021056, OMIM 175100. Disease mechanism: loss of function.
Hereditary cancer-predisposing syndrome. Also called: Neoplastic Syndromes, Hereditary; Tumor predisposition; Hereditary Cancer Syndrome; Hereditary neoplastic syndrome. Identifiers: Orphanet 140162, MedGen C0027672, MeSH D009386, MONDO:0015356.

Allele frequency attached by ClinVar (database versions not stated): gnomAD exomes below 0.00001; ExAC 0.00001.
gnomAD v4.1: 1 of 1,613,532 alleles (0.000062%); highest among the groups gnomAD compares: Admixed American, 0.0017%; no homozygotes.

Submissions (2):

Ambry Genetics
Classification: Uncertain significance for Hereditary cancer-predisposing syndrome. Last evaluated: 2023-12-06. Review status: criteria provided, single submitter. Criteria: Ambry Variant Classification Scheme 2023. Collection method: clinical testing. Allele origin: germline.
Comment: The p.G2597E variant (also known as c.7790G>A), located in coding exon 15 of the APC gene, results from a G to A substitution at nucleotide position 7790. The glycine at codon 2597 is replaced by glutamic acid, an amino acid with similar properties. This amino acid position is not well conserved in available vertebrate species. In addition, in silico predictors for this gene do not accurately predict pathogenicity. Since supporting evidence is limited at this time, the clinical significance of this alteration remains unclear.

Labcorp Genetics (formerly Invitae), Labcorp
Classification: Uncertain significance for Familial adenomatous polyposis 1. Last evaluated: 2020-04-29. Review status: criteria provided, single submitter. Criteria: Invitae Variant Classification Sherloc (09022015). Collection method: clinical testing. Allele origin: germline.
Comment: In summary, the available evidence is currently insufficient to determine the role of this variant in disease. Therefore, it has been classified as a Variant of Uncertain Significance. Algorithms developed to predict the effect of missense changes on protein structure and function are either unavailable or do not agree on the potential impact of this missense change (SIFT: "Deleterious"; PolyPhen-2: "Benign"; Align-GVGD: "Class C0"). This variant has not been reported in the literature in individuals with APC-related disease. This variant is present in population databases (rs773857973, ExAC 0.009%). This sequence change replaces glycine with glutamic acid at codon 2597 of the APC protein (p.Gly2597Glu). The glycine residue is moderately conserved and there is a moderate physicochemical difference between glycine and glutamic acid.

NM_000038.6(APC):c.7790G>A (p.Gly2597Glu)

Gene: APC (APC regulator of Wnt signaling pathway; plus strand). Cytogenetic location: 5q22.2.
Variant type: single nucleotide variant.
Coding change: c.7790G>A on transcript NM_000038.6 (MANE Select); coding-DNA position 7790, G replaced by A.
Protein change: p.Gly2597Glu; replaces glycine 2597 with glutamic acid.
Molecular consequence: missense variant.
Genome position (GRCh38, 1-based): chr5:112,843,384, G>A. VCF-style: chr5-112843384-G-A. GRCh37 (hg19) VCF-style: chr5-112179081-G-A.
Other names: c.7790G>A, p.Gly2597Glu (NM_001127510.3, NM_001354895.2); c.7736G>A, p.Gly2579Glu (NM_001127511.3); c.7844G>A, p.Gly2615Glu (NM_001354896.2); c.7820G>A, p.Gly2607Glu (NM_001354897.2); c.7715G>A, p.Gly2572Glu (NM_001354898.2); c.7706G>A, p.Gly2569Glu (NM_001354899.2); c.7667G>A, p.Gly2556Glu (NM_001354900.2); c.7613G>A, p.Gly2538Glu (NM_001354901.2); and 5 more; short protein forms G2437E, G2471E, G2496E, G2506E, G2314E, G2538E, G2572E, G2579E.
Identifiers: ClinVar variation 651166 (VCV000651166.14), dbSNP rs773857973, ClinGen allele CA049212.